The following is an entry in ClinVar:

ClinVar aggregate classification (germline): Uncertain significance. Review status: criteria provided, multiple submitters, no conflicts (2 of 4 stars). 2 submissions from 2 submitters: Uncertain significance (2). Last evaluated 2025-09-25.

Conditions:
Inborn genetic diseases. Identifiers: MedGen C0950123, MeSH D030342.
Cortical dysplasia-focal epilepsy syndrome (PTHSL1). Also called: Pitt-Hopkins-like syndrome 1. Identifiers: Orphanet 163681, Orphanet 221150, MedGen C2750246, MONDO:0012400, OMIM 610042.

Submissions (2):

Ambry Genetics
Classification: Uncertain significance for Inborn genetic diseases. Last evaluated: 2025-09-25. Review status: criteria provided, single submitter. Criteria: Ambry Variant Classification Scheme 2023. Collection method: clinical testing. Allele origin: germline.

Labcorp Genetics (formerly Invitae), Labcorp
Classification: Uncertain significance for Cortical dysplasia-focal epilepsy syndrome. Last evaluated: 2022-03-26. Review status: criteria provided, single submitter. Criteria: Invitae Variant Classification Sherloc (09022015). Collection method: clinical testing. Allele origin: germline.
Comment: This sequence change replaces tryptophan, which is neutral and slightly polar, with leucine, which is neutral and non-polar, at codon 134 of the CNTNAP2 protein (p.Trp134Leu). This variant is not present in population databases (gnomAD no frequency). In summary, the available evidence is currently insufficient to determine the role of this variant in disease. Therefore, it has been classified as a Variant of Uncertain Significance. Algorithms developed to predict the effect of missense changes on protein structure and function are either unavailable or do not agree on the potential impact of this missense change (SIFT: "Deleterious"; PolyPhen-2: "Possibly Damaging"; Align-GVGD: "Class C0"). This variant has not been reported in the literature in individuals affected with CNTNAP2-related conditions.

NM_014141.6(CNTNAP2):c.401G>T (p.Trp134Leu)

Gene: CNTNAP2 (contactin associated protein 2; plus strand). Cytogenetic location: 7q35.
Variant type: single nucleotide variant.
Coding change: c.401G>T on transcript NM_014141.6 (MANE Select); coding-DNA position 401, G replaced by T.
Protein change: p.Trp134Leu; replaces tryptophan 134 with leucine.
Molecular consequence: missense variant.
Genome position (GRCh38, 1-based): chr7:146,839,903, G>T. VCF-style: chr7-146839903-G-T. GRCh37 (hg19) VCF-style: chr7-146536995-G-T.
Other names: c.401G>T (NM_014141.5); short protein forms W134L.
Identifiers: ClinVar variation 2117135 (VCV002117135.5), dbSNP rs1458942108, ClinGen allele CA369922891.